The following is an entry in ClinVar:

NM_000059.4(BRCA2):c.6441C>T (p.His2147=)

Gene: BRCA2 (BRCA2 DNA repair associated; plus strand). Cytogenetic location: 13q13.1.
Variant type: single nucleotide variant.
Coding change: c.6441C>T on transcript NM_000059.4 (MANE Select); coding-DNA position 6441, C replaced by T.
Protein change: p.His2147=; no amino-acid change (histidine 2147 retained).
Molecular consequence: synonymous variant.
Genome position (GRCh38, 1-based): chr13:32,340,796, C>T. VCF-style: chr13-32340796-C-T. GRCh37 (hg19) VCF-style: chr13-32914933-C-T.
Identifiers: ClinVar variation 232321 (VCV000232321.23), dbSNP rs80358879, ClinGen allele CA10579694.

ClinVar aggregate classification (germline): Likely benign. Review status: reviewed by expert panel (3 of 4 stars). 8 submissions from 8 submitters: Likely benign (1). 7 of the submissions do not count toward it. Last evaluated 2017-06-29.

Conditions:
BRCA2-related cancer predisposition. Identifiers: MedGen CN377758, MONDO:0700269.
Hereditary cancer-predisposing syndrome. Also called: Hereditary Cancer Syndrome; Neoplastic Syndromes, Hereditary; Tumor predisposition; Hereditary neoplastic syndrome. Identifiers: Orphanet 140162, MedGen C0027672, MeSH D009386, MONDO:0015356.
Breast-ovarian cancer, familial, susceptibility to, 2 (BROVCA2). Also called: BRCA2 Hereditary Breast and Ovarian Cancer. Identifiers: Orphanet 145, MedGen C2675520, MONDO:0012933, OMIM 612555. Disease mechanism: loss of function.
Hereditary breast ovarian cancer syndrome. Also called: Hereditary breast and/or ovarian cancer syndrome; BRCA1- and BRCA2-Associated Hereditary Breast and Ovarian Cancer; Hereditary breast and ovarian cancer syndrome (HBOC); Hereditary breast and ovarian cancer; Hereditary breast and ovarian cancer syndrome; Breast and ovarian cancer. Identifiers: Orphanet 145, MedGen C0677776, MeSH D061325, MONDO:0003582. Disease mechanism: loss of function.

Allele frequency attached by ClinVar (database versions not stated): TOPMed below 0.00001.
gnomAD v4.1: 26 of 1,593,842 alleles (0.0016%); highest among the groups gnomAD compares: Non-Finnish European, 0.0021%; no homozygotes.

Submissions (8):

Evidence-based Network for the Interpretation of Germline Mutant Alleles (ENIGMA)
Classification: Likely benign for Breast-ovarian cancer, familial, susceptibility to, 2. Last evaluated: 2017-06-29. Review status: reviewed by expert panel. Criteria: ENIGMA BRCA1/2 Classification Criteria (2017-06-29). Collection method: curation. Allele origin: germline.
Comment: Synonymous substitution variant, with low bioinformatic likelihood to result in a splicing aberration (Splicing prior probability 0.02).

Labcorp Genetics (formerly Invitae), Labcorp
Classification: Likely benign for Hereditary breast ovarian cancer syndrome. Last evaluated: 2025-06-07. Review status: criteria provided, single submitter. Criteria: Invitae Variant Classification Sherloc (09022015). Collection method: clinical testing. Allele origin: germline. Not counted in ClinVar's aggregate classification.

Quest Diagnostics Nichols Institute San Juan Capistrano
Classification: Likely benign. Last evaluated: 2025-05-22. Review status: criteria provided, single submitter. Criteria: Quest Diagnostics criteria. Collection method: clinical testing. Allele origin: unknown. Not counted in ClinVar's aggregate classification.

Women's Health and Genetics/Laboratory Corporation of America, LabCorp
Classification: Likely benign. Last evaluated: 2024-06-20. Review status: criteria provided, single submitter. Criteria: LabCorp Variant Classification Summary - May 2015. Collection method: clinical testing. Allele origin: germline. Not counted in ClinVar's aggregate classification.

All of Us Research Program, National Institutes of Health
Classification: Likely benign for BRCA2-related cancer predisposition. Last evaluated: 2024-03-05. Review status: criteria provided, single submitter. Criteria: ACMG Guidelines, 2015. Collection method: clinical testing. Allele origin: germline. Inheritance: Autosomal dominant inheritance. Observed: 1 variant allele, 1 heterozygote. Not counted in ClinVar's aggregate classification.
Comment: This study involves interpretation of variants in research participants for the purpose of population health screening. Participant phenotype was not available at the time of variant classification. Additional details can be found in publication PMID: 35346344, PMCID: PMC8962531

Color Diagnostics, LLC DBA Color Health
Classification: Likely benign for Hereditary cancer-predisposing syndrome. Last evaluated: 2019-02-22. Review status: criteria provided, single submitter. Criteria: ACMG Guidelines, 2015. Collection method: clinical testing. Allele origin: germline. Not counted in ClinVar's aggregate classification.

GeneDx
Classification: Likely benign. Last evaluated: 2017-09-05. Review status: criteria provided, single submitter. Criteria: GeneDx Variant Classification (06012015). Collection method: clinical testing. Allele origin: germline. Affected: yes. Not counted in ClinVar's aggregate classification.
Comment: This variant is considered likely benign or benign based on one or more of the following criteria: it is a conservative change, it occurs at a poorly conserved position in the protein, it is predicted to be benign by multiple in silico algorithms, and/or has population frequency not consistent with disease.

Ambry Genetics
Classification: Likely benign for Hereditary cancer-predisposing syndrome. Last evaluated: 2015-06-09. Review status: criteria provided, single submitter. Criteria: Ambry Variant Classification Scheme 2023. Collection method: clinical testing. Allele origin: germline. Not counted in ClinVar's aggregate classification.